The following is an entry in ClinVar:

NM_007373.4(SHOC2):c.794A>G (p.Asn265Ser)

Gene: SHOC2 (SHOC2 leucine rich repeat scaffold protein; plus strand). Cytogenetic location: 10q25.2.
Variant type: single nucleotide variant.
Coding change: c.794A>G on transcript NM_007373.4 (MANE Select); coding-DNA position 794, A replaced by G.
Protein change: p.Asn265Ser; replaces asparagine 265 with serine.
Molecular consequence: missense variant. On other transcripts: non-coding transcript variant (1), intron variant (1).
Genome position (GRCh38, 1-based): chr10:110,985,718, A>G. VCF-style: chr10-110985718-A-G. GRCh37 (hg19) VCF-style: chr10-112745476-A-G.
Other names: c.794A>G, p.Asn265Ser (NM_001324336.2, NM_001324337.2); c.704-14697A>G (NM_001269039.3); short protein forms N265S.
Identifiers: ClinVar variation 1903942 (VCV001903942.5), dbSNP rs1403934777, ClinGen allele CA378391499.

ClinVar aggregate classification (germline): Uncertain significance (1 of 4 stars; one submission).

Conditions:
RASopathy. Also called: Noonan spectrum disorder; rasopathies. Identifiers: Orphanet 536391, MedGen C5555857, MONDO:0021060.

Allele frequency attached by ClinVar (database versions not stated): gnomAD exomes below 0.00001; TOPMed 0.00001.
gnomAD v4.1: 6 of 1,613,196 alleles (0.00037%); highest among the groups gnomAD compares: Non-Finnish European, 0.00051%; no homozygotes.

Submission:

Labcorp Genetics (formerly Invitae), Labcorp
Classification: Uncertain significance for RASopathy. Last evaluated: 2025-11-21. Review status: criteria provided, single submitter. Criteria: Invitae Variant Classification Sherloc (09022015). Collection method: clinical testing. Allele origin: germline.
Comment: This sequence change replaces asparagine, which is neutral and polar, with serine, which is neutral and polar, at codon 265 of the SHOC2 protein (p.Asn265Ser). This variant is present in population databases (no rsID available, gnomAD 0.0009%). This variant has not been reported in the literature in individuals affected with SHOC2-related conditions. ClinVar contains an entry for this variant (Variation ID: 1903942). Invitae Evidence Modeling of protein sequence and biophysical properties (such as structural, functional, and spatial information, amino acid conservation, physicochemical variation, residue mobility, and thermodynamic stability) indicates that this missense variant is not expected to disrupt SHOC2 protein function with a negative predictive value of 80%. In summary, the available evidence is currently insufficient to determine the role of this variant in disease. Therefore, it has been classified as a Variant of Uncertain Significance.